The following is an entry in ClinVar:

NM_173477.5(USH1G):c.208_209insTC (p.His70fs)

Gene: USH1G (USH1 protein network component sans; minus strand). Cytogenetic location: 17q25.1.
Variant type: Insertion.
Coding change: c.208_209insTC on transcript NM_173477.5 (MANE Select); coding-DNA positions 208 to 209, TC inserted.
Protein change: p.His70fs; shifts the reading frame from histidine 70.
Molecular consequence: frameshift variant. On other transcripts: intron variant (1).
Genome position: GRCh38 VCF-style: chr17-74920627-T-TGA. GRCh37 (hg19) VCF-style: chr17-72916722-T-TGA.
Other names: c.-92-10_-92-9insCT (NM_001282489.3); short protein forms H70fs.
Identifiers: ClinVar variation 493220 (VCV000493220.44), dbSNP rs1555627787, ClinGen allele CA658684178.

ClinVar aggregate classification (germline): Pathogenic. Review status: criteria provided, multiple submitters, no conflicts (2 of 4 stars). 2 submissions from 2 submitters: Pathogenic (2). Last evaluated 2023-05-01.

Conditions:
Usher syndrome type 1 (USH1). Also called: RETINITIS PIGMENTOSA AND CONGENITAL DEAFNESS. Identifiers: Orphanet 231169, Orphanet 886, MedGen C1568247, MONDO:0010168, OMIM 276900.

Submissions (2):

CeGaT Center for Human Genetics Tuebingen
Classification: Pathogenic. Last evaluated: 2023-05-01. Review status: criteria provided, single submitter. Criteria: CeGaT Center For Human Genetics Tuebingen Variant Classification Criteria Version 2. Collection method: clinical testing. Allele origin: germline. Affected: yes. Observed: 3 variant alleles.
Comment: USH1G: PVS1, PM2

Molecular Genetics Laboratory, Institute for Ophthalmic Research
Classification: Pathogenic for Usher syndrome type 1. Last evaluated: 2020-01-09. Review status: criteria provided, single submitter. Criteria: ACMG Guidelines, 2015. Collection method: research. Allele origin: germline. Affected: yes.